The following is an entry in ClinVar:

ClinVar aggregate classification (germline): Uncertain significance (1 of 4 stars; one submission).

gnomAD v4.1: 1 of 1,613,518 alleles (0.000062%); highest among the groups gnomAD compares: Non-Finnish European, 0.000085%; no homozygotes.

Submission:

Labcorp Genetics (formerly Invitae), Labcorp
Classification: Uncertain significance. Last evaluated: 2025-07-06. Review status: criteria provided, single submitter. Criteria: Invitae Variant Classification Sherloc (09022015). Collection method: clinical testing. Allele origin: germline.
Comment: This sequence change replaces asparagine, which is neutral and polar, with tyrosine, which is neutral and polar, at codon 66 of the UQCC2 protein (p.Asn66Tyr). This variant is present in population databases (no rsID available, gnomAD 0.0009%). This variant has not been reported in the literature in individuals affected with UQCC2-related conditions. An algorithm developed to predict the effect of missense changes on protein structure and function (PolyPhen-2) suggests that this variant is likely to be disruptive. In summary, the available evidence is currently insufficient to determine the role of this variant in disease. Therefore, it has been classified as a Variant of Uncertain Significance.

NM_032340.4(UQCC2):c.196A>T (p.Asn66Tyr)

Gene: UQCC2 (ubiquinol-cytochrome c reductase complex assembly factor 2; minus strand). Cytogenetic location: 6p21.31.
Variant type: single nucleotide variant.
Coding change: c.196A>T on transcript NM_032340.4 (MANE Select); coding-DNA position 196, A replaced by T.
Protein change: p.Asn66Tyr; replaces asparagine 66 with tyrosine.
Molecular consequence: missense variant.
Genome position (GRCh38, 1-based): chr6:33,701,363, T>A on the plus strand (A>T on the coding strand, the complement: UQCC2 is on the minus strand). VCF-style: chr6-33701363-T-A. GRCh37 (hg19) VCF-style: chr6-33669140-T-A.
Other names: short protein forms N66Y.
Identifiers: ClinVar variation 4764147 (VCV004764147.1).